The following is an entry in ClinVar:

ClinVar aggregate classification (germline): Likely benign. Review status: criteria provided, multiple submitters, no conflicts (2 of 4 stars). 2 submissions from 2 submitters: Likely benign (2). Last evaluated 2025-04-07.

Conditions:
Cohen syndrome (COH1). Also called: PEPPER SYNDROME; Cutis verticis gyrata, retinitis pigmentosa, and sensorineural deafness. Identifiers: Orphanet 193, MedGen C0265223, MONDO:0008999, OMIM 216550.
VPS13B-related disorder. Also called: VPS13B-related condition.

gnomAD v4.1: 3 of 1,614,226 alleles (0.00019%); highest among the groups gnomAD compares: East Asian, 0.0045%; no homozygotes.

Submissions (2):

Labcorp Genetics (formerly Invitae), Labcorp
Classification: Likely benign for Cohen syndrome. Last evaluated: 2025-04-07. Review status: criteria provided, single submitter. Criteria: Invitae Variant Classification Sherloc (09022015). Collection method: clinical testing. Allele origin: germline.

PreventionGenetics, part of Exact Sciences
Classification: Likely benign for VPS13B-related condition. Last evaluated: 2025-03-05. Review status: criteria provided, single submitter. Criteria: ACMG Guidelines, 2015. Collection method: clinical testing. Allele origin: germline.
Comment: This variant is classified as likely benign based on ACMG/AMP sequence variant interpretation guidelines (Richards et al. 2015 PMID: 25741868, with internal and published modifications).

NM_152564.5(VPS13B):c.18A>G (p.Val6=)

Gene: VPS13B (vacuolar protein sorting 13 homolog B; plus strand). Cytogenetic location: 8q22.2.
Variant type: single nucleotide variant.
Coding change: c.18A>G on transcript NM_152564.5 (MANE Select); coding-DNA position 18, A replaced by G.
Protein change: p.Val6=; no amino-acid change (valine 6 retained).
Molecular consequence: synonymous variant. On other transcripts: non-coding transcript variant (1).
Genome position (GRCh38, 1-based): chr8:99,013,806, A>G. VCF-style: chr8-99013806-A-G. GRCh37 (hg19) VCF-style: chr8-100026034-A-G.
Other names: c.18A>G (NM_152564.4); c.18A>G, p.Val6= (NM_015243.3, NM_017890.5, NM_181661.3).
Identifiers: ClinVar variation 729770 (VCV000729770.9), dbSNP rs1490457051, ClinGen allele CA462417945.